The following is an entry in ClinVar:

ClinVar aggregate classification (germline): Uncertain significance (1 of 4 stars; one submission).

Allele frequency attached by ClinVar (database versions not stated): gnomAD 0.00002; TOPMed 0.00002; ExAC 0.00006; gnomAD exomes 0.00008.
gnomAD v4.1: 116 of 1,579,674 alleles (0.0073%); highest among the groups gnomAD compares: Non-Finnish European, 0.0097%; no homozygotes.

Submission:

Labcorp Genetics (formerly Invitae), Labcorp
Classification: Uncertain significance. Last evaluated: 2024-01-29. Review status: criteria provided, single submitter. Criteria: Invitae Variant Classification Sherloc (09022015). Collection method: clinical testing. Allele origin: germline.
Comment: This sequence change falls in intron 11 of the CCDC141 gene. It does not directly change the encoded amino acid sequence of the CCDC141 protein. It affects a nucleotide within the consensus splice site. This variant is present in population databases (rs750449067, gnomAD 0.008%). This variant has not been reported in the literature in individuals affected with CCDC141-related conditions. ClinVar contains an entry for this variant (Variation ID: 2149509). Variants that disrupt the consensus splice site are a relatively common cause of aberrant splicing (PMID: 17576681, 9536098). Algorithms developed to predict the effect of sequence changes on RNA splicing suggest that this variant is not likely to affect RNA splicing. In summary, the available evidence is currently insufficient to determine the role of this variant in disease. Therefore, it has been classified as a Variant of Uncertain Significance.

Literature cited by the submitters: PubMed 17576681; PubMed 9536098.

NM_173648.4(CCDC141):c.1720-3T>C

Gene: CCDC141 (coiled-coil domain containing 141; minus strand). Cytogenetic location: 2q31.2.
Variant type: single nucleotide variant.
Coding change: c.1720-3T>C on transcript NM_173648.4 (MANE Select); 3 bases into the intron before coding-DNA position 1720, T replaced by C.
Molecular consequence: intron variant.
Genome position (GRCh38, 1-based): chr2:178,878,146, A>G on the plus strand (T>C on the coding strand, the complement: CCDC141 is on the minus strand). VCF-style: chr2-178878146-A-G. GRCh37 (hg19) VCF-style: chr2-179742873-A-G.
Other names: c.1720-3T>C (NM_001316745.2).
Identifiers: ClinVar variation 2149509 (VCV002149509.4), dbSNP rs750449067, ClinGen allele CA2007213.
Genomic context (GRCh38, chr2:178,878,146, plus strand): 5'-CCTTCTGAGGGATTTCGGTTTCATAAAATTCTTTTAAGCTCTGAAACTGCATCTCTACCT[A>G]AAAAAGAAAAAAGAGAGTTAAGAACACTTAAACACATTTTTTTAAAGAAAAAGAACAGTA-3'